The following is an entry in ClinVar:

ClinVar aggregate classification (germline): Benign (1 of 4 stars; one submission).

gnomAD v4.1: 1,058 of 1,613,120 alleles (0.066%); highest among the groups gnomAD compares: South Asian, 1.1%; 13 homozygotes.

Submission:

CeGaT Center for Human Genetics Tuebingen
Classification: Benign. Last evaluated: 2025-07-01. Review status: criteria provided, single submitter. Criteria: CeGaT Center For Human Genetics Tuebingen Variant Classification Criteria Version 2. Collection method: clinical testing. Allele origin: germline. Affected: yes. Observed: 1 variant allele.
Comment: SREBF1: BP4, BP7, BS1, BS2

NM_004176.5(SREBF1):c.1725C>T (p.His575=)

Gene: SREBF1 (sterol regulatory element binding transcription factor 1; minus strand). Cytogenetic location: 17p11.2.
Variant type: single nucleotide variant.
Coding change: c.1725C>T on transcript NM_004176.5 (MANE Select); coding-DNA position 1725, C replaced by T.
Protein change: p.His575=; no amino-acid change (histidine 575 retained).
Molecular consequence: synonymous variant. On other transcripts: non-coding transcript variant (4), intron variant (1).
Genome position (GRCh38, 1-based): chr17:17,817,018, G>A on the plus strand (C>T on the coding strand, the complement: SREBF1 is on the minus strand). VCF-style: chr17-17817018-G-A. GRCh37 (hg19) VCF-style: chr17-17720332-G-A.
Other names: c.1815C>T, p.His605= (NM_001005291.3); c.1653C>T, p.His551= (NM_001321096.3); c.1725C>T, p.His575= (NM_001388385.1, NM_001388386.1); c.1764C>T, p.His588= (NM_001388387.1); c.1680C>T, p.His560= (NM_001388388.1); c.1719C>T, p.His573= (NM_001388389.1); c.1707C>T, p.His569= (NM_001388390.1); c.1698C>T, p.His566= (NM_001388391.1); and 3 more.
Identifiers: ClinVar variation 4084344 (VCV004084344.8).